The following is an entry in ClinVar:

ClinVar aggregate classification (germline): Pathogenic/Likely pathogenic. Review status: criteria provided, multiple submitters, no conflicts (2 of 4 stars). 8 submissions from 8 submitters: Pathogenic (2); Likely pathogenic (3). 3 of the submissions do not count toward it. Last evaluated 2024-07-23.

Conditions:
AIFM1-related disorder. Also called: AIFM1-related condition.
Charcot-Marie-Tooth Neuropathy X. Identifiers: MedGen CN118851.
Combined oxidative phosphorylation deficiency. Identifiers: MedGen C4540031, MONDO:0000732.
Deafness, X-linked 5 (DFNX5). Also called: AUDITORY NEUROPATHY, X-LINKED, 1, WITH PERIPHERAL SENSORY NEUROPATHY; DEAFNESS, X-LINKED 5, WITH PERIPHERAL NEUROPATHY. Identifiers: Orphanet 139583, MedGen C1845095, OMIM 300614.
Severe X-linked mitochondrial encephalomyopathy. Also called: ENCEPHALOMYOPATHY, MITOCHONDRIAL, X-LINKED. Identifiers: Orphanet 238329, MedGen C3151753, MONDO:0010437, OMIM 300816.
Ear malformation. Also called: CUP EAR; Abnormality of the ear. Identifiers: MedGen C0266589, MONDO:0007500, OMIM 128600, HP:0000598.

Allele frequency attached by ClinVar (database versions not stated): gnomAD exomes below 0.00001.
gnomAD v4.1: 2 of 1,211,515 alleles (0.00017%); highest among the groups gnomAD compares: Non-Finnish European, 0.00022%; no homozygotes.

Submissions (8):

GeneDx
Classification: Likely pathogenic. Last evaluated: 2024-07-23. Review status: criteria provided, single submitter. Criteria: GeneDx Variant Classification Process June 2021. Collection method: clinical testing. Allele origin: germline. Affected: yes.
Comment: Published functional studies suggest this variant is associated with impaired dimerization (PMID: 36751702); Not observed at significant frequency in large population cohorts (gnomAD); In silico analysis supports that this missense variant has a deleterious effect on protein structure/function; This variant is associated with the following publications: (PMID: 25986071, 28967629, 34416374, 32684920, 38374194, 37405018, 36751702, 31850270)

Baylor Genetics
Classification: Pathogenic for Severe X-linked mitochondrial encephalomyopathy. Last evaluated: 2023-04-18. Review status: criteria provided, single submitter. Criteria: ACMG Guidelines, 2015. Collection method: clinical testing. Allele origin: unknown.

CeGaT Center for Human Genetics Tuebingen
Classification: Likely pathogenic. Last evaluated: 2021-09-01. Review status: criteria provided, single submitter. Criteria: CeGaT Center For Human Genetics Tuebingen Variant Classification Criteria Version 2. Collection method: clinical testing. Allele origin: germline. Affected: yes. Observed: 2 variant alleles.

Kariminejad - Najmabadi Pathology & Genetics Center
Classification: Likely pathogenic for Ear malformation. Last evaluated: 2021-07-10. Review status: criteria provided, single submitter. Criteria: ACMG Guidelines, 2015. Collection method: clinical testing. Allele origin: germline. Affected: yes.

Labcorp Genetics (formerly Invitae), Labcorp
Classification: Pathogenic for Charcot-Marie-Tooth Neuropathy X; Combined oxidative phosphorylation deficiency. Last evaluated: 2020-10-26. Review status: criteria provided, single submitter. Criteria: Invitae Variant Classification Sherloc (09022015). Collection method: clinical testing. Allele origin: germline.
Comment: For these reasons, this variant has been classified as Pathogenic. This variant disrupts the p.Arg422 amino acid residue in AIFM1. Other variant(s) that disrupt this residue have been observed in individuals with AIFM1-related conditions (PMID: 25986071), which suggests that this may be a clinically significant amino acid residue. Advanced modeling of protein sequence and biophysical properties (such as structural, functional, and spatial information, amino acid conservation, physicochemical variation, residue mobility, and thermodynamic stability) performed at Invitae indicates that this missense variant is expected to disrupt AIFM1 protein function. This variant has been observed in individual(s) with clinical features of AIFM1-related conditions (PMID: 25986071, 31850270). It has also been observed to segregate with disease in related individuals. ClinVar contains an entry for this variant (Variation ID: 162479). This variant is not present in population databases (ExAC no frequency). This sequence change replaces arginine with tryptophan at codon 422 of the AIFM1 protein (p.Arg422Trp). The arginine residue is highly conserved and there is a moderate physicochemical difference between arginine and tryptophan.

PreventionGenetics, part of Exact Sciences
Classification: Likely pathogenic for AIFM1-related condition. Last evaluated: 2024-02-19. Review status: no assertion criteria provided. Collection method: clinical testing. Allele origin: germline. Not counted in ClinVar's aggregate classification.
Comment: The AIFM1 c.1264C>T variant is predicted to result in the amino acid substitution p.Arg422Trp. This variant has been reported in male individuals with X-linked auditory neuropathy spectrum disorder (ANSD) and/or hearing loss (Zong et al. 2015. PubMed ID: 25986071; Bazazzadegan et al. 2019. PubMed ID: 31850270; Wang et al. 2020. PubMed ID: 32684920; Guan et al. 2021. PubMed ID: 34416374). In one of those families, this variant has been observed to segregate with ANSD, with female carriers not reporting any signs of ANSD or peripheral sensory neuropathy (Zong et al. 2015. PubMed ID: 25986071). This variant has not been reported in a large population database, indicating this variant is rare. A different substitution affecting the same amino acid (p.Arg422Gln) has also been documented in association with ANSD (Zong et al. 2015. PubMed ID: 25986071). This variant is interpreted as likely pathogenic.

OMIM
Classification: Pathogenic for DEAFNESS, X-LINKED 5. Last evaluated: 2015-08-01. Review status: no assertion criteria provided. Collection method: literature only. Allele origin: germline. Not counted in ClinVar's aggregate classification.

Deafness Gene Diagnosis, Xijing Hospital
Classification: Likely pathogenic for Deafness, X-linked 5. Review status: no assertion criteria provided. Collection method: clinical testing. Allele origin: unknown. Inheritance: Sporadic. Affected: yes. Observed: 2 variant alleles, 2 homozygotes. Clinical features observed: auditory neuropathy with muscle weak of lower limbs. Not counted in ClinVar's aggregate classification.
Comment: missense mutation in conserved position, not detected in normal control (118 people), and Mutationtaster predicted as Disease Causing

Literature cited by the submitters: PubMed 25986071 (cited by Labcorp Genetics (formerly Invitae), Labcorp and OMIM); PubMed 31850270 (cited by Labcorp Genetics (formerly Invitae), Labcorp).

NM_004208.4(AIFM1):c.1264C>T (p.Arg422Trp)

Genes: AIFM1 (apoptosis inducing factor mitochondria associated 1; minus strand), RAB33A (RAB33A, member RAS oncogene family; plus strand). Cytogenetic location: Xq26.1.
Variant type: single nucleotide variant.
Coding change: c.1264C>T on transcript NM_004208.4 (MANE Select); coding-DNA position 1264, C replaced by T.
Protein change: p.Arg422Trp; replaces arginine 422 with tryptophan.
Molecular consequence: missense variant. On other transcripts: 3 prime UTR variant (1), non-coding transcript variant (1).
Genome position (GRCh38, 1-based): chrX:130,136,086, G>A on the plus strand (C>T on the coding strand, the complement: AIFM1 is on the minus strand). VCF-style: chrX-130136086-G-A. GRCh37 (hg19) VCF-style: chrX-129270061-G-A.
Other names: c.247C>T, p.Arg83Trp (NM_001130846.4); c.*492C>T (NM_001130847.4); c.1252C>T, p.Arg418Trp (NM_145812.3); short protein forms R422W, R418W, R83W.
Identifiers: ClinVar variation 162479 (VCV000162479.70), dbSNP rs724160020, ClinGen allele CA175066.